The following is an entry in ClinVar:

NM_000334.4(SCN4A):c.4077C>G (p.Ile1359Met)

Genes: GH-LCR (growth hormone locus control region; plus strand), SCN4A (sodium voltage-gated channel alpha subunit 4; minus strand). Cytogenetic location: 17q23.3.
Variant type: single nucleotide variant.
Coding change: c.4077C>G on transcript NM_000334.4 (MANE Select); coding-DNA position 4077, C replaced by G.
Protein change: p.Ile1359Met; replaces isoleucine 1359 with methionine.
Molecular consequence: missense variant.
Genome position (GRCh38, 1-based): chr17:63,943,037, G>C on the plus strand (C>G on the coding strand, the complement: SCN4A is on the minus strand). VCF-style: chr17-63943037-G-C. GRCh37 (hg19) VCF-style: chr17-62020397-G-C.
Other names: short protein forms I1359M.
Identifiers: ClinVar variation 1003063 (VCV001003063.9), dbSNP rs1908595411, ClinGen allele CA400616791.

ClinVar aggregate classification (germline): Uncertain significance (1 of 4 stars; one submission).

Conditions:
Hyperkalemic periodic paralysis. Also called: Familial hyperkalemic periodic paralysis; Gamstorp disease. Identifiers: Orphanet 682, MedGen C0238357, MONDO:0008224, OMIM 170500, HP:0007215.

Submission:

Labcorp Genetics (formerly Invitae), Labcorp
Classification: Uncertain significance for Hyperkalemic periodic paralysis. Last evaluated: 2022-07-06. Review status: criteria provided, single submitter. Criteria: Invitae Variant Classification Sherloc (09022015). Collection method: clinical testing. Allele origin: germline.
Comment: This sequence change replaces isoleucine, which is neutral and non-polar, with methionine, which is neutral and non-polar, at codon 1359 of the SCN4A protein (p.Ile1359Met). This variant is not present in population databases (gnomAD no frequency). This missense change has been observed in individual(s) with clinical features of autosomal dominant SCN4A-related conditions (Invitae). ClinVar contains an entry for this variant (Variation ID: 1003063). Algorithms developed to predict the effect of missense changes on protein structure and function are either unavailable or do not agree on the potential impact of this missense change (SIFT: "Deleterious"; PolyPhen-2: "Probably Damaging"; Align-GVGD: "Class C0"). In summary, the available evidence is currently insufficient to determine the role of this variant in disease. Therefore, it has been classified as a Variant of Uncertain Significance.